The following is an entry in ClinVar:

ClinVar aggregate classification (germline): Uncertain significance. Review status: criteria provided, multiple submitters, no conflicts (2 of 4 stars). 5 submissions from 5 submitters: Uncertain significance (5). Last evaluated 2025-02-27.

Conditions:
Inborn genetic diseases. Identifiers: MedGen C0950123, MeSH D030342.
Congenital bile acid synthesis defect 4 (CBAS4). Also called: CHOLESTASIS, INTRAHEPATIC, WITH DEFECTIVE CONVERSION OF TRIHYDROXYCOPROSTANIC ACID TO CHOLIC ACID; TRIHYDROXYCOPROSTANIC ACID IN BILE. Identifiers: Orphanet 79095, MedGen C1858328, MONDO:0008967, OMIM 214950.
Alpha-methylacyl-CoA racemase deficiency (AMACRD). Also called: AMACR deficiency. Identifiers: Orphanet 79095, MedGen C3280428, MONDO:0013681, OMIM 614307. Disease mechanism: loss of function.

Allele frequency attached by ClinVar (database versions not stated): ExAC 0.00003; gnomAD exomes 0.00003; gnomAD 0.00005; TOPMed 0.00005.
gnomAD v4.1: 80 of 1,613,916 alleles (0.005%); highest among the groups gnomAD compares: Non-Finnish European, 0.0062%; no homozygotes.

Submissions (5):

Ambry Genetics
Classification: Uncertain significance for Inborn genetic diseases. Last evaluated: 2025-02-27. Review status: criteria provided, single submitter. Criteria: Ambry Variant Classification Scheme 2023. Collection method: clinical testing. Allele origin: germline.

Center for Precision Genome Editing and Genetic Technologies for Biomedicine, Pirogov Russian National Research Medical University
Classification: Uncertain significance for Congenital bile acid synthesis defect 4. Last evaluated: 2024-07-01. Review status: criteria provided, single submitter. Criteria: ACMG Guidelines, 2015. Collection method: clinical testing. Allele origin: germline. Inheritance: Autosomal recessive inheritance. Affected: yes. Observed: 1 heterozygote.
Comment: AMACR(NM_014324.6):c.511C>T (p.Arg171Cys) This variant has been detected in control samples with an allele frequency of 0,00004957 and has not been detected in patients Bile acid synthesis defect, congenital, 4 (OMIM: 214950), so the PM2 criterion applies. BayesDel addAF and BayesDel no AF programs are considered a pathogenic option, PP3 criterion. Based on the applied ACMG/AMP criteria (PM2, PP3), this variant meets the classification for VUS in Bile acid synthesis defect, congenital, 4.

Labcorp Genetics (formerly Invitae), Labcorp
Classification: Uncertain significance for Alpha-methylacyl-CoA racemase deficiency. Last evaluated: 2022-06-27. Review status: criteria provided, single submitter. Criteria: Invitae Variant Classification Sherloc (09022015). Collection method: clinical testing. Allele origin: germline.
Comment: This sequence change replaces arginine, which is basic and polar, with cysteine, which is neutral and slightly polar, at codon 171 of the AMACR protein (p.Arg171Cys). This variant is present in population databases (rs773780945, gnomAD 0.008%). This variant has not been reported in the literature in individuals affected with AMACR-related conditions. ClinVar contains an entry for this variant (Variation ID: 597697). Algorithms developed to predict the effect of missense changes on protein structure and function (SIFT, PolyPhen-2, Align-GVGD) all suggest that this variant is likely to be disruptive. In summary, the available evidence is currently insufficient to determine the role of this variant in disease. Therefore, it has been classified as a Variant of Uncertain Significance.

Eurofins Ntd Llc (ga)
Classification: Uncertain significance. Last evaluated: 2018-06-21. Review status: criteria provided, single submitter. Criteria: EGL ClinVar v180209 classification definitions. Collection method: clinical testing. Allele origin: germline. Observed: 1 variant allele, 1 heterozygote.

Illumina Laboratory Services, Illumina
Classification: Uncertain significance for Alpha-methylacyl-CoA racemase deficiency. Last evaluated: 2018-01-13. Review status: criteria provided, single submitter. Criteria: ICSL Variant Classification Criteria 13 December 2019. Collection method: clinical testing. Allele origin: germline.

NM_014324.6(AMACR):c.511C>T (p.Arg171Cys)

Genes: AMACR (alpha-methylacyl-CoA racemase; minus strand), C1QTNF3-AMACR (C1QTNF3-AMACR readthrough (NMD candidate); minus strand). Cytogenetic location: 5p13.2.
Variant type: single nucleotide variant.
Coding change: c.511C>T on transcript NM_014324.6 (MANE Select); coding-DNA position 511, C replaced by T.
Protein change: p.Arg171Cys; replaces arginine 171 with cysteine.
Molecular consequence: missense variant. On other transcripts: intron variant (1).
Genome position (GRCh38, 1-based): chr5:34,004,615, G>A on the plus strand (C>T on the coding strand, the complement: AMACR is on the minus strand). VCF-style: chr5-34004615-G-A. GRCh37 (hg19) VCF-style: chr5-34004720-G-A.
Other names: c.511C>T, p.Arg171Cys (NM_001167595.2); c.391+1141C>T (NM_203382.3); short protein forms R171C.
Identifiers: ClinVar variation 597697 (VCV000597697.15), dbSNP rs773780945, ClinGen allele CA3226193.